The following is an entry in ClinVar:

NM_001387850.1(FILIP1L):c.2083A>G (p.Thr695Ala)

Genes: CMSS1 (cms1 ribosomal small subunit homolog; plus strand), FILIP1L (filamin A interacting protein 1 like; minus strand), LOC105374010 (uncharacterized LOC105374010; plus strand). Cytogenetic location: 3q12.1.
Variant type: single nucleotide variant.
Coding change: c.2083A>G on transcript NM_001387850.1 (MANE Select); coding-DNA position 2083, A replaced by G.
Protein change: p.Thr695Ala; replaces threonine 695 with alanine.
Molecular consequence: missense variant. On other transcripts: intron variant (2).
Genome position (GRCh38, 1-based): chr3:99,849,593, T>C on the plus strand (A>G on the coding strand, the complement: FILIP1L is on the minus strand). VCF-style: chr3-99849593-T-C. GRCh37 (hg19) VCF-style: chr3-99568437-T-C.
Other names: c.2083A>G (NM_182909.2); c.2083A>G, p.Thr695Ala (NM_001042459.3, NM_182909.4); c.811A>G, p.Thr271Ala (NM_001282793.2); c.1363A>G, p.Thr455Ala (NM_001282794.2, NM_001370247.1, NM_001387851.1 and 1 more transcripts); c.64+31550T>C (NM_032359.4); c.606-18988A>G (NM_001387852.1); short protein forms T271A, T455A, T695A.
Identifiers: ClinVar variation 3046263 (VCV003046263.3), dbSNP rs201896358, ClinGen allele CA2513494.

ClinVar aggregate classification (germline): Uncertain significance. Review status: criteria provided, single submitter (1 of 4 stars). 2 submissions from 2 submitters: Uncertain significance (1). 1 of the submissions does not count toward it. Last evaluated 2025-08-02.

Conditions:
FILIP1L-related disorder. Also called: FILIP1L-related condition.

Allele frequency attached by ClinVar (database versions not stated): gnomAD exomes 0.00020; 1000 Genomes Project 0.00160; 1000 Genomes Project 30x 0.00172; gnomAD 0.00199; TOPMed 0.00227; ESP Exome Variant Server 0.00277.
gnomAD v4.1: 613 of 1,613,508 alleles (0.038%); highest among the groups gnomAD compares: African/African-American, 0.72%; 2 homozygotes.

Submissions (2):

Ambry Genetics
Classification: Uncertain significance. Last evaluated: 2025-08-02. Review status: criteria provided, single submitter. Criteria: Ambry Variant Classification Scheme 2023. Collection method: clinical testing. Allele origin: germline.

PreventionGenetics, part of Exact Sciences
Classification: Benign for FILIP1L-related condition. Last evaluated: 2020-01-02. Review status: no assertion criteria provided. Collection method: clinical testing. Allele origin: germline. Not counted in ClinVar's aggregate classification.
Comment: This variant is classified as benign based on ACMG/AMP sequence variant interpretation guidelines (Richards et al. 2015 PMID: 25741868, with internal and published modifications).